The following is an entry in ClinVar:

ClinVar aggregate classification (germline): Uncertain significance (1 of 4 stars; one submission).

Conditions:
Tuberous sclerosis 1 (TSC1). Identifiers: Orphanet 805, MedGen C1854465, MONDO:0008612, OMIM 191100.

Submission:

Labcorp Genetics (formerly Invitae), Labcorp
Classification: Uncertain significance for Tuberous sclerosis 1. Last evaluated: 2022-08-23. Review status: criteria provided, single submitter. Criteria: Invitae Variant Classification Sherloc (09022015). Collection method: clinical testing. Allele origin: germline.
Comment: This sequence change replaces threonine, which is neutral and polar, with asparagine, which is neutral and polar, at codon 393 of the TSC1 protein (p.Thr393Asn). This variant is not present in population databases (gnomAD no frequency). This variant has not been reported in the literature in individuals affected with TSC1-related conditions. In summary, the available evidence is currently insufficient to determine the role of this variant in disease. Therefore, it has been classified as a Variant of Uncertain Significance. Algorithms developed to predict the effect of missense changes on protein structure and function are either unavailable or do not agree on the potential impact of this missense change (SIFT: "Tolerated"; PolyPhen-2: "Probably Damaging"; Align-GVGD: "Class C0"). ClinVar contains an entry for this variant (Variation ID: 1445714).

NM_000368.5(TSC1):c.1178C>A (p.Thr393Asn)

Gene: TSC1 (TSC complex subunit 1; minus strand). Cytogenetic location: 9q34.13.
Variant type: single nucleotide variant.
Coding change: c.1178C>A on transcript NM_000368.5 (MANE Select); coding-DNA position 1178, C replaced by A.
Protein change: p.Thr393Asn; replaces threonine 393 with asparagine.
Molecular consequence: missense variant.
Genome position (GRCh38, 1-based): chr9:132,910,656, G>T on the plus strand (C>A on the coding strand, the complement: TSC1 is on the minus strand). VCF-style: chr9-132910656-G-T. GRCh37 (hg19) VCF-style: chr9-135786043-G-T.
Other names: c.1175C>A, p.Thr392Asn (NM_001162426.2); c.1025C>A, p.Thr342Asn (NM_001162427.2); c.815C>A, p.Thr272Asn (NM_001362177.2); short protein forms T272N, T393N, T392N, T342N.
Identifiers: ClinVar variation 1445714 (VCV001445714.6), dbSNP rs201452238, ClinGen allele CA375367084.